The following is an entry in ClinVar:

ClinVar aggregate classification (germline): Pathogenic. Review status: criteria provided, multiple submitters, no conflicts (2 of 4 stars). 2 submissions from 2 submitters: Pathogenic (2). Last evaluated 2025-02-24.

Submissions (2):

GeneDx
Classification: Pathogenic. Last evaluated: 2025-02-24. Review status: criteria provided, single submitter. Criteria: GeneDx Variant Classification Process June 2021. Collection method: clinical testing. Allele origin: germline. Affected: yes.
Comment: Nonsense variant predicted to result in protein truncation or nonsense mediated decay in a gene for which loss-of-function is a known mechanism of disease; Not observed at significant frequency in large population cohorts (gnomAD); This variant is associated with the following publications: (PMID: 29115496, 9279758, 25525159)

Labcorp Genetics (formerly Invitae), Labcorp
Classification: Pathogenic. Last evaluated: 2023-12-11. Review status: criteria provided, single submitter. Criteria: Invitae Variant Classification Sherloc (09022015). Collection method: clinical testing. Allele origin: germline.
Comment: This sequence change creates a premature translational stop signal (p.Arg195*) in the PAX3 gene. It is expected to result in an absent or disrupted protein product. Loss-of-function variants in PAX3 are known to be pathogenic (PMID: 20127975, 23512835). This variant is not present in population databases (gnomAD no frequency). This premature translational stop signal has been observed in individual(s) with Waardenburg syndrome type 1 (PMID: 9279758, 29115496). ClinVar contains an entry for this variant (Variation ID: 488795). For these reasons, this variant has been classified as Pathogenic.

Literature cited by the submitters: PubMed 20127975 (cited by Labcorp Genetics (formerly Invitae), Labcorp); PubMed 23512835 (cited by Labcorp Genetics (formerly Invitae), Labcorp); PubMed 9279758 (cited by Labcorp Genetics (formerly Invitae), Labcorp); PubMed 29115496 (cited by Labcorp Genetics (formerly Invitae), Labcorp).

NM_181458.4(PAX3):c.583C>T (p.Arg195Ter)

Gene: PAX3 (paired box 3; minus strand). Cytogenetic location: 2q36.1.
Variant type: single nucleotide variant.
Coding change: c.583C>T on transcript NM_181458.4 (MANE Select); coding-DNA position 583, C replaced by T.
Protein change: p.Arg195Ter; replaces arginine 195 with a stop codon.
Molecular consequence: nonsense.
Genome position (GRCh38, 1-based): chr2:222,294,170, G>A on the plus strand (C>T on the coding strand, the complement: PAX3 is on the minus strand). VCF-style: chr2-222294170-G-A. GRCh37 (hg19) VCF-style: chr2-223158889-G-A.
Other names: c.583C>T, p.Arg195Ter (NM_000438.6, NM_013942.5, NM_181457.4 and 3 more transcripts); c.580C>T, p.Arg194Ter (NM_001127366.3); short protein forms R195*, R194*.
Identifiers: ClinVar variation 488795 (VCV000488795.8), dbSNP rs1220219700, ClinGen allele CA351112470.